The following is an entry in ClinVar:

ClinVar aggregate classification (germline): Uncertain significance. Review status: criteria provided, multiple submitters, no conflicts (2 of 4 stars). 2 submissions from 2 submitters: Uncertain significance (2). Last evaluated 2022-04-12.

Conditions:
Pyruvate carboxylase deficiency. Also called: ATAXIA WITH LACTIC ACIDOSIS II; PC DEFICIENCY; Pyruvate Carboxylase Deficiency Disease; LEIGH NECROTIZING ENCEPHALOPATHY DUE TO PYRUVATE CARBOXYLASE DEFICIENCY; LEIGH SYNDROME DUE TO PYRUVATE CARBOXYLASE DEFICIENCY. Identifiers: Orphanet 3008, MedGen C0034341, MONDO:0009949, OMIM 266150.

Allele frequency attached by ClinVar (database versions not stated): gnomAD exomes 0.00001; ExAC 0.00002.
gnomAD v4.1: 8 of 1,613,942 alleles (0.0005%); highest among the groups gnomAD compares: South Asian, 0.0011%; no homozygotes.

Submissions (2):

Labcorp Genetics (formerly Invitae), Labcorp
Classification: Uncertain significance for Pyruvate carboxylase deficiency. Last evaluated: 2022-04-12. Review status: criteria provided, single submitter. Criteria: Invitae Variant Classification Sherloc (09022015). Collection method: clinical testing. Allele origin: germline.
Comment: This sequence change replaces threonine, which is neutral and polar, with methionine, which is neutral and non-polar, at codon 611 of the PC protein (p.Thr611Met). This variant is present in population databases (rs757071897, gnomAD 0.003%). This variant has not been reported in the literature in individuals affected with PC-related conditions. ClinVar contains an entry for this variant (Variation ID: 587499). Algorithms developed to predict the effect of missense changes on protein structure and function are either unavailable or do not agree on the potential impact of this missense change (SIFT: "Deleterious"; PolyPhen-2: "Probably Damaging"; Align-GVGD: "Class C0"). In summary, the available evidence is currently insufficient to determine the role of this variant in disease. Therefore, it has been classified as a Variant of Uncertain Significance.

Genomic Research Center, Shahid Beheshti University of Medical Sciences
Classification: Uncertain significance for Pyruvate carboxylase deficiency. Last evaluated: 2018-08-07. Review status: criteria provided, single submitter. Criteria: ACMG Guidelines, 2015. Collection method: clinical testing. Allele origin: inherited. Affected: no. Observed: 1 variant allele.

NM_001040716.2(PC):c.1832C>T (p.Thr611Met)

Gene: PC (pyruvate carboxylase; minus strand). Cytogenetic location: 11q13.2.
Variant type: single nucleotide variant.
Coding change: c.1832C>T on transcript NM_001040716.2 (MANE Select); coding-DNA position 1832, C replaced by T.
Protein change: p.Thr611Met; replaces threonine 611 with methionine.
Molecular consequence: missense variant.
Genome position (GRCh38, 1-based): chr11:66,851,940, G>A on the plus strand (C>T on the coding strand, the complement: PC is on the minus strand). VCF-style: chr11-66851940-G-A. GRCh37 (hg19) VCF-style: chr11-66619411-G-A.
Other names: c.1832C>T, p.Thr611Met (NM_000920.4, NM_022172.3); short protein forms T611M.
Identifiers: ClinVar variation 587499 (VCV000587499.6), dbSNP rs757071897, ClinGen allele CA6131244.